The following is an entry in ClinVar:

NM_001080.3(ALDH5A1):c.786G>C (p.Lys262Asn)

Gene: ALDH5A1 (aldehyde dehydrogenase 5 family member A1; plus strand). Cytogenetic location: 6p22.3.
Variant type: single nucleotide variant.
Coding change: c.786G>C on transcript NM_001080.3 (MANE Select); coding-DNA position 786, G replaced by C.
Protein change: p.Lys262Asn; replaces lysine 262 with asparagine.
Molecular consequence: missense variant. On other transcripts: intron variant (1).
Genome position (GRCh38, 1-based): chr6:24,515,226, G>C. VCF-style: chr6-24515226-G-C. GRCh37 (hg19) VCF-style: chr6-24515454-G-C.
Other names: c.825G>C, p.Lys275Asn (NM_170740.1); c.727-5175G>C (NM_001368954.1); short protein forms K262N, K275N.
Identifiers: ClinVar variation 529485 (VCV000529485.7), dbSNP rs766715554, ClinGen allele CA3656751.

ClinVar aggregate classification (germline): Uncertain significance. Review status: criteria provided, multiple submitters, no conflicts (2 of 4 stars). 2 submissions from 2 submitters: Uncertain significance (2). Last evaluated 2022-03-18.

Conditions:
Succinate-semialdehyde dehydrogenase deficiency (SSADHD). Also called: GABA METABOLIC DEFECT; 4-HYDROXYBUTYRIC ACIDURIA; SSADH DEFICIENCY; Succinic Semialdehyde Dehydrogenase Deficiency. Identifiers: Orphanet 22, MedGen C0268631, MONDO:0010083, OMIM 271980.

Allele frequency attached by ClinVar (database versions not stated): gnomAD 0.00001; TOPMed 0.00001; ExAC 0.00002; gnomAD exomes 0.00002.
gnomAD v4.1: 11 of 1,611,200 alleles (0.00068%); highest among the groups gnomAD compares: Admixed American, 0.017%; no homozygotes.

Submissions (2):

Labcorp Genetics (formerly Invitae), Labcorp
Classification: Uncertain significance for Succinate-semialdehyde dehydrogenase deficiency. Last evaluated: 2022-03-18. Review status: criteria provided, single submitter. Criteria: Invitae Variant Classification Sherloc (09022015). Collection method: clinical testing. Allele origin: germline.
Comment: This sequence change replaces lysine, which is basic and polar, with asparagine, which is neutral and polar, at codon 262 of the ALDH5A1 protein (p.Lys262Asn). This variant is present in population databases (rs766715554, gnomAD 0.02%). This variant has not been reported in the literature in individuals affected with ALDH5A1-related conditions. ClinVar contains an entry for this variant (Variation ID: 529485). Advanced modeling of protein sequence and biophysical properties (such as structural, functional, and spatial information, amino acid conservation, physicochemical variation, residue mobility, and thermodynamic stability) performed at Invitae indicates that this missense variant is not expected to disrupt ALDH5A1 protein function. In summary, the available evidence is currently insufficient to determine the role of this variant in disease. Therefore, it has been classified as a Variant of Uncertain Significance.

GeneDx
Classification: Uncertain significance. Last evaluated: 2019-12-13. Review status: criteria provided, single submitter. Criteria: GeneDx Variant Classification Process June 2021. Collection method: clinical testing. Allele origin: germline. Affected: yes.
Comment: In silico analysis, which includes protein predictors and evolutionary conservation, supports that this variant does not alter protein structure/function; Has not been previously published as pathogenic or benign to our knowledge